The following is an entry in ClinVar:

NM_001135629.3(PPP1R21):c.1043C>G (p.Ser348Cys)

Gene: PPP1R21 (protein phosphatase 1 regulatory subunit 21; plus strand). Cytogenetic location: 2p16.3.
Variant type: single nucleotide variant.
Coding change: c.1043C>G on transcript NM_001135629.3 (MANE Select); coding-DNA position 1043, C replaced by G.
Protein change: p.Ser348Cys; replaces serine 348 with cysteine.
Molecular consequence: missense variant. On other transcripts: non-coding transcript variant (1).
Genome position (GRCh38, 1-based): chr2:48,471,322, C>G. VCF-style: chr2-48471322-C-G. GRCh37 (hg19) VCF-style: chr2-48698461-C-G.
Other names: c.1043C>G, p.Ser348Cys (NM_001193475.2, NM_152994.5); short protein forms S348C.
Identifiers: ClinVar variation 3777945 (VCV003777945.7).

ClinVar aggregate classification (germline): Uncertain significance (1 of 4 stars; one submission).

gnomAD v4.1: 8 of 1,610,508 alleles (0.0005%); highest among the groups gnomAD compares: Admixed American, 0.0017%; no homozygotes.

Submission:

CeGaT Center for Human Genetics Tuebingen
Classification: Uncertain significance. Last evaluated: 2025-03-01. Review status: criteria provided, single submitter. Criteria: CeGaT Center For Human Genetics Tuebingen Variant Classification Criteria Version 2. Collection method: clinical testing. Allele origin: germline. Affected: yes. Observed: 1 variant allele.
Comment: PPP1R21: PM2